The following is an entry in ClinVar:

ClinVar aggregate classification (germline): Likely pathogenic (1 of 4 stars; one submission).

Submission:

Labcorp Genetics (formerly Invitae), Labcorp
Classification: Likely pathogenic. Last evaluated: 2022-01-15. Review status: criteria provided, single submitter. Criteria: Invitae Variant Classification Sherloc (09022015). Collection method: clinical testing. Allele origin: germline.
Comment: In summary, the currently available evidence indicates that the variant is pathogenic, but additional data are needed to prove that conclusively. Therefore, this variant has been classified as Likely Pathogenic. Algorithms developed to predict the effect of sequence changes on RNA splicing suggest that this variant may disrupt the consensus splice site. This variant has not been reported in the literature in individuals affected with CD55-related conditions. This variant is not present in population databases (gnomAD no frequency). This sequence change affects an acceptor splice site in intron 4 of the CD55 gene. It is expected to disrupt RNA splicing. Variants that disrupt the donor or acceptor splice site typically lead to a loss of protein function (PMID: 16199547), and loss-of-function variants in CD55 are known to be pathogenic (PMID: 28657829, 28657861).

Literature cited by the submitters: PubMed 16199547; PubMed 28657829; PubMed 28657861.

NM_000574.5(CD55):c.579-2A>T

Gene: CD55 (CD55 molecule (Cromer blood group); plus strand). Cytogenetic location: 1q32.2.
Variant type: single nucleotide variant.
Coding change: c.579-2A>T on transcript NM_000574.5 (MANE Select); the canonical splice acceptor site of the intron before coding-DNA position 579, A replaced by T.
Molecular consequence: splice acceptor variant.
Genome position (GRCh38, 1-based): chr1:207,326,750, A>T. VCF-style: chr1-207326750-A-T. GRCh37 (hg19) VCF-style: chr1-207500095-A-T.
Other names: c.579-2A>T (NM_001300902.2, NM_001114752.3, NM_001300903.2 and 1 more transcripts).
Identifiers: ClinVar variation 2083230 (VCV002083230.4), dbSNP rs2526947236, ClinGen allele CA344516919.